The following is an entry in ClinVar:

NM_152564.5(VPS13B):c.10139A>G (p.His3380Arg)

Gene: VPS13B (vacuolar protein sorting 13 homolog B; plus strand). Cytogenetic location: 8q22.2.
Variant type: single nucleotide variant.
Coding change: c.10139A>G on transcript NM_152564.5 (MANE Select); coding-DNA position 10139, A replaced by G.
Protein change: p.His3380Arg; replaces histidine 3380 with arginine.
Molecular consequence: missense variant.
Genome position (GRCh38, 1-based): chr8:99,853,528, A>G. VCF-style: chr8-99853528-A-G. GRCh37 (hg19) VCF-style: chr8-100865756-A-G.
Other names: c.10214A>G, p.His3405Arg (NM_017890.5); short protein forms H3405R, H3380R.
Identifiers: ClinVar variation 2868044 (VCV002868044.3), dbSNP rs896072325, ClinGen allele CA182314028.

ClinVar aggregate classification (germline): Uncertain significance (1 of 4 stars; one submission).

Conditions:
Cohen syndrome (COH1). Also called: Cutis verticis gyrata, retinitis pigmentosa, and sensorineural deafness; PEPPER SYNDROME. Identifiers: Orphanet 193, MedGen C0265223, MONDO:0008999, OMIM 216550.

Allele frequency attached by ClinVar (database versions not stated): gnomAD exomes 0.00001.
gnomAD v4.1: 5 of 1,614,214 alleles (0.00031%); highest among the groups gnomAD compares: Non-Finnish European, 0.00042%; no homozygotes.

Submission:

Labcorp Genetics (formerly Invitae), Labcorp
Classification: Uncertain significance for Cohen syndrome. Last evaluated: 2023-07-16. Review status: criteria provided, single submitter. Criteria: Invitae Variant Classification Sherloc (09022015). Collection method: clinical testing. Allele origin: germline.
Comment: This sequence change replaces histidine, which is basic and polar, with arginine, which is basic and polar, at codon 3405 of the VPS13B protein (p.His3405Arg). In summary, the available evidence is currently insufficient to determine the role of this variant in disease. Therefore, it has been classified as a Variant of Uncertain Significance. Advanced modeling of protein sequence and biophysical properties (such as structural, functional, and spatial information, amino acid conservation, physicochemical variation, residue mobility, and thermodynamic stability) performed at Invitae indicates that this missense variant is not expected to disrupt VPS13B protein function. This variant has not been reported in the literature in individuals affected with VPS13B-related conditions. This variant is not present in population databases (gnomAD no frequency).